The following is an entry in ClinVar:

ClinVar aggregate classification (germline): Uncertain significance (1 of 4 stars; one submission).

Submission:

GeneDx
Classification: Uncertain significance. Last evaluated: 2024-11-14. Review status: criteria provided, single submitter. Criteria: GeneDx Variant Classification Process June 2021. Collection method: clinical testing. Allele origin: germline. Affected: yes.
Comment: Not observed at significant frequency in large population cohorts (gnomAD); In silico analysis indicates that this missense variant does not alter protein structure/function; Has not been previously published as pathogenic or benign to our knowledge

NM_001395656.1(ROBO2):c.3457T>A (p.Ser1153Thr)

Gene: ROBO2 (roundabout guidance receptor 2; plus strand). Cytogenetic location: 3p12.3.
Variant type: single nucleotide variant.
Coding change: c.3457T>A on transcript NM_001395656.1 (MANE Select); coding-DNA position 3457, T replaced by A.
Protein change: p.Ser1153Thr; replaces serine 1153 with threonine.
Molecular consequence: missense variant.
Genome position (GRCh38, 1-based): chr3:77,617,664, T>A. VCF-style: chr3-77617664-T-A. GRCh37 (hg19) VCF-style: chr3-77666815-T-A.
Other names: c.3505T>A, p.Ser1169Thr (NM_001378203.1, NM_001378190.1, NM_001378200.1 and 1 more transcripts); c.3640T>A, p.Ser1214Thr (NM_001394212.1, NM_001395657.1); c.3652T>A, p.Ser1218Thr (NM_001394213.1); c.3514T>A, p.Ser1172Thr (NM_001394214.1); c.3445T>A, p.Ser1149Thr (NM_002942.5, NM_001378193.1); c.3493T>A, p.Ser1165Thr (NM_001128929.3); c.3457T>A, p.Ser1153Thr (NM_001290039.2, NM_001290040.2); c.1666T>A, p.Ser556Thr (NM_001290065.2); and 5 more; short protein forms S1149T, S1150T, S1153T, S1165T, S1169T, S1172T, S1176T, S1191T.
Identifiers: ClinVar variation 3899476 (VCV003899476.1).